The following is an entry in ClinVar:

ClinVar aggregate classification (germline): Conflicting classifications of pathogenicity. Review status: criteria provided, conflicting classifications (1 of 4 stars). 2 submissions from 2 submitters: Likely pathogenic (1); Uncertain significance (1). Last evaluated 2025-03-21.

Conditions:
Hermansky-Pudlak syndrome 10 (HPS10). Identifiers: Orphanet 664511, MedGen C4310746, MONDO:0014885, OMIM 617050.

gnomAD v4.1: 22 of 1,613,134 alleles (0.0014%); highest among the groups gnomAD compares: Admixed American, 0.0017%; no homozygotes.

Submissions (2):

Labcorp Genetics (formerly Invitae), Labcorp
Classification: Uncertain significance. Last evaluated: 2025-03-21. Review status: criteria provided, single submitter. Criteria: Invitae Variant Classification Sherloc (09022015). Collection method: clinical testing. Allele origin: germline.
Comment: This sequence change replaces valine, which is neutral and non-polar, with isoleucine, which is neutral and non-polar, at codon 711 of the AP3D1 protein (p.Val711Ile). This variant is present in population databases (rs754096388, gnomAD 0.004%). This variant has not been reported in the literature in individuals affected with AP3D1-related conditions. ClinVar contains an entry for this variant (Variation ID: 3583551). An algorithm developed to predict the effect of missense changes on protein structure and function (PolyPhen-2) suggests that this variant is likely to be tolerated. In summary, the available evidence is currently insufficient to determine the role of this variant in disease. Therefore, it has been classified as a Variant of Uncertain Significance.

Fulgent Genetics
Classification: Likely pathogenic for Hermansky-Pudlak syndrome 10. Last evaluated: 2024-05-01. Review status: criteria provided, single submitter. Criteria: ACMG Guidelines, 2015. Collection method: clinical testing. Allele origin: germline.

NM_001261826.3(AP3D1):c.2131G>A (p.Val711Ile)

Gene: AP3D1 (adaptor related protein complex 3 subunit delta 1; minus strand). Cytogenetic location: 19p13.3.
Variant type: single nucleotide variant.
Coding change: c.2131G>A on transcript NM_001261826.3 (MANE Select); coding-DNA position 2131, G replaced by A.
Protein change: p.Val711Ile; replaces valine 711 with isoleucine.
Molecular consequence: missense variant.
Genome position (GRCh38, 1-based): chr19:2,115,556, C>T on the plus strand (G>A on the coding strand, the complement: AP3D1 is on the minus strand). VCF-style: chr19-2115556-C-T. GRCh37 (hg19) VCF-style: chr19-2115555-C-T.
Other names: c.2131G>A, p.Val711Ile (NM_001374799.1, NM_003938.8); short protein forms V711I.
Identifiers: ClinVar variation 3583551 (VCV003583551.2).